The following is an entry in ClinVar:

ClinVar aggregate classification (germline): Benign/Likely benign. Review status: criteria provided, multiple submitters, no conflicts (2 of 4 stars). 2 submissions from 2 submitters: Benign (1); Likely benign (1). Last evaluated 2020-02-01.

Conditions:
Deficiency of hyaluronoglucosaminidase (MPS9). Also called: MPS IX; HYALURONIDASE DEFICIENCY; Mucopolysaccharidosis type 9. Identifiers: Orphanet 67041, MedGen C1291490, MONDO:0011093, OMIM 601492.

Allele frequency attached by ClinVar (database versions not stated): gnomAD exomes 0.00081; 1000 Genomes Project 0.00479; 1000 Genomes Project 30x 0.00515; gnomAD 0.00618 and 0.00675; TOPMed 0.00658.
gnomAD v4.1: 1,332 of 603,052 alleles (0.22%); highest among the groups gnomAD compares: African/African-American, 2.1%; 16 homozygotes.

Submissions (2):

GeneDx
Classification: Likely benign. Last evaluated: 2020-02-01. Review status: criteria provided, single submitter. Criteria: GeneDx Variant Classification Process June 2021. Collection method: clinical testing. Allele origin: germline. Affected: yes.

Illumina Laboratory Services, Illumina
Classification: Benign for Deficiency of hyaluronoglucosaminidase. Last evaluated: 2018-01-13. Review status: criteria provided, single submitter. Criteria: ICSL Variant Classification Criteria 13 December 2019. Collection method: clinical testing. Allele origin: germline.
Comment: This variant was observed in the ICSL laboratory as part of a predisposition screen in an ostensibly healthy population. It had not been previously curated by ICSL or reported in the Human Gene Mutation Database (HGMD: prior to June 1st, 2018), and was therefore a candidate for classification through an automated scoring system. Utilizing variant allele frequency, disease prevalence and penetrance estimates, and inheritance mode, an automated score was calculated to assess if this variant is too frequent to cause the disease. Based on the score and internal cut-off values, a variant classified as benign is not then subjected to further curation. The score for this variant resulted in a classification of benign for this disease.

NM_033159.4(HYAL1):c.*221T>C

Gene: HYAL1 (hyaluronidase 1; minus strand). Cytogenetic location: 3p21.31.
Variant type: single nucleotide variant.
Coding change: c.*221T>C on transcript NM_033159.4 (MANE Select); 221 bases downstream of the stop codon, T replaced by C.
Molecular consequence: 3 prime UTR variant. On other transcripts: non-coding transcript variant (1).
Genome position (GRCh38, 1-based): chr3:50,300,262, A>G on the plus strand (T>C on the coding strand, the complement: HYAL1 is on the minus strand). VCF-style: chr3-50300262-A-G. GRCh37 (hg19) VCF-style: chr3-50337693-A-G.
Other names: c.*221T>C (NM_153281.2, NM_153282.3, NM_153283.3 and 1 more transcripts).
Identifiers: ClinVar variation 346080 (VCV000346080.8), dbSNP rs192692460, ClinGen allele CA10619197.
Genomic context (GRCh38, chr3:50,300,262, plus strand): 5'-TTCAAAGACTGGCTCAGTGTCTCTGGAGGAATTGTCTATGACCTTGCCAAGTAGATGCAT[A>G]TGGACATGGAATGAATGGTGTCTGCTGTGGTTCTAACTCCTTATGCCACTATTCCAGTCT-3'